The following is an entry in ClinVar:

ClinVar aggregate classification (germline): Likely pathogenic (1 of 4 stars; one submission).

Submission:

Labcorp Genetics (formerly Invitae), Labcorp
Classification: Likely pathogenic. Last evaluated: 2025-03-31. Review status: criteria provided, single submitter. Criteria: Invitae Variant Classification Sherloc (09022015). Collection method: clinical testing. Allele origin: germline.
Comment: This sequence change affects an acceptor splice site in intron 6 of the COL9A1 gene. It is expected to disrupt RNA splicing. Variants that disrupt the donor or acceptor splice site typically lead to a loss of protein function (PMID: 16199547), and loss-of-function variants in COL9A1 are known to be pathogenic (PMID: 16909383, 21421862). This variant is not present in population databases (gnomAD no frequency). This variant has not been reported in the literature in individuals affected with COL9A1-related conditions. ClinVar contains an entry for this variant (Variation ID: 2779536). Algorithms developed to predict the effect of sequence changes on RNA splicing suggest that this variant may disrupt the consensus splice site. In summary, the currently available evidence indicates that the variant is pathogenic, but additional data are needed to prove that conclusively. Therefore, this variant has been classified as Likely Pathogenic.

Literature cited by the submitters: PubMed 16199547; PubMed 16909383; PubMed 21421862.

NM_001851.6(COL9A1):c.781-1G>C

Gene: COL9A1 (collagen type IX alpha 1 chain; minus strand). Cytogenetic location: 6q13.
Variant type: single nucleotide variant.
Coding change: c.781-1G>C on transcript NM_001851.6 (MANE Select); the canonical splice acceptor site of the intron before coding-DNA position 781, G replaced by C.
Molecular consequence: splice acceptor variant. On other transcripts: intron variant (3).
Genome position (GRCh38, 1-based): chr6:70,282,919, C>G on the plus strand (G>C on the coding strand, the complement: COL9A1 is on the minus strand). VCF-style: chr6-70282919-C-G. GRCh37 (hg19) VCF-style: chr6-70992622-C-G.
Other names: c.72+62G>C (NM_001377290.1, NM_078485.4, NM_001377289.1); c.781-1G>C (NM_001377291.1).
Identifiers: ClinVar variation 2779536 (VCV002779536.3), dbSNP rs1773262818, ClinGen allele CA364666794.